The following is an entry in ClinVar:

NM_000540.3(RYR1):c.5180G>T (p.Arg1727Leu)

Gene: RYR1 (ryanodine receptor 1; plus strand). Cytogenetic location: 19q13.2.
Variant type: single nucleotide variant.
Coding change: c.5180G>T on transcript NM_000540.3 (MANE Select); coding-DNA position 5180, G replaced by T.
Protein change: p.Arg1727Leu; replaces arginine 1727 with leucine.
Molecular consequence: missense variant.
Genome position (GRCh38, 1-based): chr19:38,485,835, G>T. VCF-style: chr19-38485835-G-T. GRCh37 (hg19) VCF-style: chr19-38976475-G-T.
Other names: c.5180G>T, p.Arg1727Leu (NM_001042723.2); short protein forms R1727L.
Identifiers: ClinVar variation 3072965 (VCV003072965.1), dbSNP rs774500412, ClinGen allele CA405654081.

ClinVar aggregate classification (germline): Uncertain significance (1 of 4 stars; one submission).

Conditions:
Malignant hyperthermia, susceptibility to, 1 (MHS1). Also called: Anesthesia related hyperthermia; Malignant hyperpyrexia; Fulminating hyperpyrexia; Pharmacogenic myopathy; RYR1-Related Malignant Hyperthermia Susceptibility; Malignant hyperthermia suceptibility 1. Identifiers: Orphanet 423, MedGen C2930980, MONDO:0007783, OMIM 145600.

gnomAD v4.1: 1 of 1,613,588 alleles (0.000062%); highest among the groups gnomAD compares: African/African-American, 0.0013%; no homozygotes.

Submission:

All of Us Research Program, National Institutes of Health
Classification: Uncertain significance for Malignant hyperthermia, susceptibility to, 1. Last evaluated: 2023-08-15. Review status: criteria provided, single submitter. Criteria: ACMG Guidelines, 2015. Collection method: clinical testing. Allele origin: germline. Inheritance: Autosomal dominant inheritance. Observed: 1 variant allele, 1 heterozygote.
Comment: This missense variant replaces arginine with leucine at codon 1727 of the RYR1 protein. Computational prediction suggests that this variant may not impact protein structure and function (internally defined REVEL score threshold <= 0.5, PMID: 27666373). To our knowledge, functional studies have not been reported for this variant. This variant has not been reported in individuals affected with RYR1-related disorders in the literature. This variant has not been identified in the general population by the Genome Aggregation Database (gnomAD). The available evidence is insufficient to determine the role of this variant in disease conclusively. Therefore, this variant is classified as a Variant of Uncertain Significance.

This study involves interpretation of variants in research participants for the purpose of population health screening. Participant phenotype was not available at the time of variant classification. Additional details can be found in publication PMID: 35346344, PMCID: PMC8962531